The following is an entry in ClinVar:

NM_004588.5(SCN2B):c.136G>A (p.Ala46Thr)

Gene: SCN2B (sodium voltage-gated channel beta subunit 2; minus strand). Cytogenetic location: 11q23.3.
Variant type: single nucleotide variant.
Coding change: c.136G>A on transcript NM_004588.5 (MANE Select); coding-DNA position 136, G replaced by A.
Protein change: p.Ala46Thr; replaces alanine 46 with threonine.
Molecular consequence: missense variant.
Genome position (GRCh38, 1-based): chr11:118,168,686, C>T on the plus strand (G>A on the coding strand, the complement: SCN2B is on the minus strand). VCF-style: chr11-118168686-C-T. GRCh37 (hg19) VCF-style: chr11-118039401-C-T.
Other names: short protein forms A46T.
Identifiers: ClinVar variation 1771015 (VCV001771015.3), dbSNP rs777194638, ClinGen allele CA6300520.

ClinVar aggregate classification (germline): Uncertain significance (1 of 4 stars; one submission).

Conditions:
Cardiovascular phenotype. Identifiers: MedGen CN230736.

Allele frequency attached by ClinVar (database versions not stated): TOPMed 0.00003; gnomAD 0.00003.
gnomAD v4.1: 30 of 1,614,080 alleles (0.0019%); highest among the groups gnomAD compares: African/African-American, 0.0027%; no homozygotes.

Submission:

Ambry Genetics
Classification: Uncertain significance for Cardiovascular phenotype. Last evaluated: 2025-06-01. Review status: criteria provided, single submitter. Criteria: Ambry Variant Classification Scheme 2023. Collection method: clinical testing. Allele origin: germline.
Comment: The p.A46T variant (also known as c.136G>A), located in coding exon 2 of the SCN2B gene, results from a G to A substitution at nucleotide position 136. The alanine at codon 46 is replaced by threonine, an amino acid with similar properties. This amino acid position is not well conserved in available vertebrate species, and threonine is the reference amino acid in other vertebrate species. In addition, this alteration is predicted to be tolerated by in silico analysis. Since supporting evidence is limited at this time, the clinical significance of this alteration remains unclear.